The following continues an entry in ClinVar:

NM_000540.3(RYR1):c.14126C>T (p.Thr4709Met)

Gene: RYR1. ClinVar aggregate classification (germline): Uncertain significance. Uncertain significance (1).

Submissions 7 to 17 of 22:

Institute of Medical Genetics and Applied Genomics, University Hospital Tübingen
Classification: Likely pathogenic for Congenital multicore myopathy with external ophthalmoplegia. Last evaluated: 2025-01-24. Review status: criteria provided, single submitter. Criteria: ACMG Guidelines, 2015. Collection method: clinical testing. Allele origin: germline. Inheritance: Autosomal recessive inheritance. Affected: yes. Not counted in ClinVar's aggregate classification.

Color Diagnostics, LLC DBA Color Health
Classification: Uncertain significance for Malignant hyperthermia, susceptibility to, 1. Last evaluated: 2025-01-13. Review status: criteria provided, single submitter. Criteria: ACMG Guidelines, 2015. Collection method: clinical testing. Allele origin: germline. Not counted in ClinVar's aggregate classification.
Comment: This missense variant replaces threonine with methionine at codon 4709 of the RYR1 protein. Computational prediction suggests that this variant may have deleterious impact on protein structure and function. A functional study using genetically engineered mice showed that mice homozygous for this variant are hypersensitive to isoflurane and experience an increase in core body temperature similar to malignant hyperthermia susceptible mice, but at a slower rate. Further, the study showed that mice heterozygous for this variant were not hypersensitive to isoflurane and did not experience an increase in core temperature compared to wild-type mice (PMID: 31107960). This variant has not been reported in individuals affected with autosomal dominant malignant hyperthermia in the literature, although it is associated with other phenotype(s) (ClinVar variation ID: 65996). This variant has been identified in 12/281074 chromosomes in the general population by the Genome Aggregation Database (gnomAD). Due to insufficient evidence, this variant is classified as a Variant of Uncertain Significance for autosomal dominant malignant hyperthermia.

All of Us Research Program, National Institutes of Health
Classification: Uncertain significance for Malignant hyperthermia, susceptibility to, 1. Last evaluated: 2024-08-06. Review status: criteria provided, single submitter. Criteria: ACMG Guidelines, 2015. Collection method: clinical testing. Allele origin: germline. Inheritance: Autosomal dominant inheritance. Observed: 12 variant alleles, 12 heterozygotes. Not counted in ClinVar's aggregate classification.
Comment: This missense variant replaces threonine with methionine at codon 4709 of the RYR1 protein. Computational prediction suggests that this variant may have deleterious impact on protein structure and function (internally defined REVEL score threshold >= 0.7, PMID: 27666373). A functional study using genetically engineered mice showed that mice homozygous for this variant are hypersensitive to isoflurane and experience an increase in core body temperature similar to malignant hyperthermia susceptible mice, but at a slower rate. Further, the study showed that mice heterozygous for this variant were not hypersensitive to isoflurane and did not experience an increase in core temperature compared to wild-type mice (PMID: 31107960). This variant has not been reported in individuals affected with autosomal dominant malignant hyperthermia in the literature, although it is associated with other phenotype(s) (ClinVar variation ID: 65996). This variant has been identified in 12/281074 chromosomes in the general population by the Genome Aggregation Database (gnomAD). Due to insufficient evidence, this variant is classified as a Variant of Uncertain Significance for autosomal dominant malignant hyperthermia.

This study involves interpretation of variants in research participants for the purpose of population health screening. Participant phenotype was not available at the time of variant classification. Additional details can be found in publication PMID: 35346344, PMCID: PMC8962531

Broad Center for Mendelian Genomics, Broad Institute of MIT and Harvard
Classification: Likely pathogenic for Congenital myopathy. Last evaluated: 2024-06-19. Review status: criteria provided, single submitter. Criteria: ACMG Guidelines, 2015. Collection method: curation. Allele origin: germline. Inheritance: Autosomal recessive inheritance. Study: GREGoR Consortium. Not counted in ClinVar's aggregate classification.
Comment: The p.Thr4709Met variant in RYR1 has been reported in at least 2 individuals with congenital myopathy (PMID: 21062345, 30155738), and has been identified in 0.1% (29/29576) of Ashkenazi Jewish chromosomes by the Genome Aggregation Database (gnomAD; dbSNP ID: rs118192140). Although this variant has been seen in the general population in a heterozygous state, its frequency is not high enough to rule out a pathogenic role. This variant has also been reported in ClinVar (Variation ID: 65996) and has been interpreted as pathogenic or likely pathogenic by multiple submitters for congenital myopathy, and as a variant of uncertain significance by the ClinGen Malignant Hyperthermia Susceptibility Variant Curation Expert Panel. Of the 3 affected individuals, 3 were compound heterozygotes that carried reported pathogenic/likely pathogenic variant in trans or with unknown phase, which increases the likelihood that the p.Thr4709Met variant is pathogenic (PMID: 30155738). Animal models in mice have shown that this variant causes autosomal recessive congenital myopathy (PMID: 31107960). Computational prediction tools and conservation analyses suggest that this variant may impact the protein, though this information is not predictive enough to determine pathogenicity. The number of missense variants reported in RYR1 in the general population is lower than expected, suggesting there is little benign variation in this gene and slightly increasing the possibility that a missense variant in this gene may not be tolerated. In summary, although additional studies are required to fully establish its clinical significance, this variant is likely pathogenic for autosomal recessive congenital myopathy. ACMG/AMP Criteria applied: PP3_moderate, PM3, PS3_moderate, PP2 (Richards 2015).

Revvity Omics, Revvity
Classification: Likely pathogenic. Last evaluated: 2024-06-04. Review status: criteria provided, single submitter. Criteria: ACMG Guidelines, 2015. Collection method: clinical testing. Allele origin: germline. Not counted in ClinVar's aggregate classification.

Blueprint Genetics
Classification: Likely pathogenic for RYR1-related disorders. Last evaluated: 2023-06-28. Review status: criteria provided, single submitter. Criteria: ACMG Guidelines, 2015. Collection method: clinical testing. Allele origin: germline. Affected: yes. Observed: 5 variant alleles. Not counted in ClinVar's aggregate classification.

Kariminejad - Najmabadi Pathology & Genetics Center
Classification: Likely pathogenic for Abnormality of the musculature. Last evaluated: 2021-07-10. Review status: criteria provided, single submitter. Criteria: ACMG Guidelines, 2015. Collection method: clinical testing. Allele origin: germline. Affected: yes. Not counted in ClinVar's aggregate classification.

Illumina Laboratory Services, Illumina
Classification: Likely pathogenic for RYR1-Related Disorders. Last evaluated: 2018-11-12. Review status: criteria provided, single submitter. Criteria: ICSL Variant Classification Criteria 09 May 2019. Collection method: clinical testing. Allele origin: germline. Not counted in ClinVar's aggregate classification.
Comment: The RYR1 c.14126C>T (p.Thr4709Met) variant has been reported in at least five studies and is found in a total of five patients with RYR1-related disorders including central code disease, multiminicore disease, and neuromuscular disease including four in a compound heterozygous state and one in a heterozygous state (Zhou et al. 2007; Bevilacqua et al. 2011; Amburgey et al. 2013; Vill et al. 2017; Todd et al. 2018). The p.Thr4709Met variant was absent from 300 controls and is reported at a frequency of 0.000888 in the Ashkenazi Jewish population of the Genome Aggregation Database. Zhou et al. (2007) demonstrated greatly reduced levels of RYR1 protein in skeletal muscles of patients in whom the p.Thr4709Met heterozygous variant was expressed in the background of a second non-transcribed allele. Based on the evidence, the p.Thr4709Met variant is classified as likely pathogenic RYR1-related disorders. This variant was observed by ICSL as part of a predisposition screen in an ostensibly healthy population.

Fulgent Genetics
Classification: Likely pathogenic for Central core myopathy; Malignant hyperthermia, susceptibility to, 1; Congenital myopathy 4A, autosomal dominant; Congenital multicore myopathy with external ophthalmoplegia. Last evaluated: 2018-10-31. Review status: criteria provided, single submitter. Criteria: ACMG Guidelines, 2015. Collection method: clinical testing. Allele origin: unknown. Not counted in ClinVar's aggregate classification.

Illumina Laboratory Services, Illumina
Classification: Uncertain significance for Malignant hyperthermia, susceptibility to, 1. Last evaluated: 2017-04-28. Review status: criteria provided, single submitter. Criteria: ICSL Variant Classification Criteria 13 December 2019. Collection method: clinical testing. Allele origin: germline. Not counted in ClinVar's aggregate classification.

Baylor Genetics
Classification: Pathogenic for Minicore myopathy with external ophthalmoplegia. Last evaluated: 2013-12-23. Review status: criteria provided, single submitter. Criteria: Yang et al. 2013. Collection method: clinical testing. Allele origin: paternal. Inheritance: Autosomal recessive inheritance. Affected: yes. Observed: 1 variant allele, 1 compound heterozygote. Study: Adult_WES. Not counted in ClinVar's aggregate classification.